The following is an entry in ClinVar:

ClinVar aggregate classification (germline): Uncertain significance (1 of 4 stars; one submission).

Conditions:
Hereditary cancer-predisposing syndrome. Also called: Tumor predisposition; Hereditary Cancer Syndrome; Hereditary neoplastic syndrome; Neoplastic Syndromes, Hereditary. Identifiers: Orphanet 140162, MedGen C0027672, MeSH D009386, MONDO:0015356.

Submission:

Ambry Genetics
Classification: Uncertain significance for Hereditary cancer-predisposing syndrome. Last evaluated: 2017-05-31. Review status: criteria provided, single submitter. Criteria: Ambry Variant Classification Scheme 2023. Collection method: clinical testing. Allele origin: germline.
Comment: The p.A173P variant (also known as c.517G>C), located in coding exon 1 of the HOXB13 gene, results from a G to C substitution at nucleotide position 517. The alanine at codon 173 is replaced by proline, an amino acid with highly similar properties. This amino acid position is well conserved in available vertebrate species. In addition, this alteration is predicted to be tolerated by in silico analysis. Since supporting evidence is limited at this time, the clinical significance of this alteration remains unclear.

NM_006361.6(HOXB13):c.517G>C (p.Ala173Pro)

Gene: HOXB13 (homeobox B13; minus strand). Cytogenetic location: 17q21.32.
Variant type: single nucleotide variant.
Coding change: c.517G>C on transcript NM_006361.6 (MANE Select); coding-DNA position 517, G replaced by C.
Protein change: p.Ala173Pro; replaces alanine 173 with proline.
Molecular consequence: missense variant.
Genome position (GRCh38, 1-based): chr17:48,728,077, C>G on the plus strand (G>C on the coding strand, the complement: HOXB13 is on the minus strand). VCF-style: chr17-48728077-C-G. GRCh37 (hg19) VCF-style: chr17-46805439-C-G.
Other names: short protein forms A173P.
Identifiers: ClinVar variation 485699 (VCV000485699.5), dbSNP rs1555558574, ClinGen allele CA400107282.